The following is an entry in ClinVar:

NM_000157.4(GBA1):c.1224+2T>G

Genes: GBA1 (glucosylceramidase beta 1; minus strand), LOC106627981 (GBA recombination region; plus strand). Cytogenetic location: 1q22.
Variant type: single nucleotide variant.
Coding change: c.1224+2T>G on transcript NM_000157.4 (MANE Select); the canonical splice donor site of the intron after coding-DNA position 1224, T replaced by G.
Molecular consequence: splice donor variant.
Genome position (GRCh38, 1-based): chr1:155,236,243, A>C on the plus strand (T>G on the coding strand, the complement: GBA1 is on the minus strand). VCF-style: chr1-155236243-A-C. GRCh37 (hg19) VCF-style: chr1-155206034-A-C.
Other names: c.963+2T>G (NM_001171811.2); c.1224+2T>G (NM_001005742.3, NM_001005741.3); c.1077+2T>G (NM_001171812.2).
Identifiers: ClinVar variation 4817699 (VCV004817699.1).
Genomic context (GRCh38, chr1:155,236,243, plus strand): 5'-TTGGTGAAACTAGTAAGAGGTCTGAGGTCTGCTTTGCAGGAAGGGAGACTGGGGTGGCTT[A>C]CCGTGATGATGCTGTGGCTGTACTGCATCCCTCGATCCCAGGAGCCTAGCCGCACACTCT-3'

ClinVar aggregate classification (germline): Likely pathogenic (1 of 4 stars; one submission).

Conditions:
Gaucher disease. Also called: Acute cerebral Gaucher disease; Cerebroside lipidosis syndrome; Gaucher splenomegaly; Sphingolipidosis 1; Glucocerebrosidosis; Glucosylceramidase deficiency. Identifiers: Orphanet 355, MedGen C0017205, MONDO:0018150.

gnomAD v4.1: 1 of 1,613,002 alleles (0.000062%); highest among the groups gnomAD compares: Admixed American, 0.0017%; no homozygotes.

Submission:

Natera, Inc.
Classification: Likely pathogenic for Gaucher disease. Last evaluated: 2025-04-25. Review status: criteria provided, single submitter. Criteria: Natera Variant Classification Schema (03/2026). Collection method: clinical testing. Allele origin: germline.
Comment: The c.1224+2T>G variant in GBA1 is a canonical splice donor site variant predicted to affect pre-mRNA splicing, which may result in an abnormal transcript and altered protein product. This variant is expected to result in nonsense mediated decay, truncation, or a dysfunctional protein product. This variant is rare in the general population with a frequency below the threshold expected for the associated phenotype(s). Given the available evidence, this variant is classified as Likely Pathogenic.